The following is an entry in ClinVar:

ClinVar aggregate classification (germline): Pathogenic (1 of 4 stars; one submission).

Conditions:
Peutz-Jeghers syndrome (PJS). Also called: POLYPOSIS, HAMARTOMATOUS INTESTINAL; POLYPS-AND-SPOTS SYNDROME; Peutz-Jeghers polyposis; Periorificial lentiginosis syndrome. Identifiers: Orphanet 2869, MedGen C0031269, MeSH D010580, MONDO:0008280, OMIM 175200.

Submission:

Labcorp Genetics (formerly Invitae), Labcorp
Classification: Pathogenic for Peutz-Jeghers syndrome. Last evaluated: 2023-09-15. Review status: criteria provided, single submitter. Criteria: Invitae Variant Classification Sherloc (09022015). Collection method: clinical testing. Allele origin: germline.
Comment: This variant is not present in population databases (gnomAD no frequency). For these reasons, this variant has been classified as Pathogenic. Algorithms developed to predict the effect of sequence changes on RNA splicing suggest that this variant may create or strengthen a splice site. This variant has not been reported in the literature in individuals affected with STK11-related conditions. This sequence change creates a premature translational stop signal (p.Ser216Phefs*50) in the STK11 gene. It is expected to result in an absent or disrupted protein product. Loss-of-function variants in STK11 are known to be pathogenic (PMID: 15188174, 16287113).

Literature cited by the submitters: PubMed 15188174; PubMed 16287113.

NM_000455.5(STK11):c.646dup (p.Ser216fs)

Gene: STK11 (serine/threonine kinase 11; plus strand). Cytogenetic location: 19p13.3.
Variant type: Duplication.
Coding change: c.646dup on transcript NM_000455.5 (MANE Select); coding-DNA position 646, one base duplicated (T; older notation c.646dupT).
Protein change: p.Ser216fs; shifts the reading frame from serine 216.
Molecular consequence: frameshift variant. On other transcripts: non-coding transcript variant (1).
Genome position (GRCh38, 1-based): chr19:1,220,629, T duplicated. VCF-style (leftmost placement, unchanged base first): chr19-1220628-C-CT. GRCh37 (hg19) VCF-style: chr19-1220627-C-CT.
Other names: c.646dup, p.Ser216fs (NM_001407255.1); short protein forms S216fs.
Identifiers: ClinVar variation 2760775 (VCV002760775.3), dbSNP rs2512943483, ClinGen allele CA2697555599.
Genomic context (GRCh38, chr19:1,220,628, plus strand): 5'-GGCACCGCCACAGGCACTGCACCCGTTCGCGGCGGACGACACCTGCCGGACCAGCCAGGG[C>CT]TCCCCGGCTTTCCAGCCGCCCGAGATTGCCAACGGCCTGGACACCTTCTCCGGCTTCAAG-3'